The following is an entry in ClinVar:

NM_014285.7(EXOSC2):c.623C>T (p.Thr208Ile)

Gene: EXOSC2 (exosome component 2; plus strand). Cytogenetic location: 9q34.12.
Variant type: single nucleotide variant.
Coding change: c.623C>T on transcript NM_014285.7 (MANE Select); coding-DNA position 623, C replaced by T.
Protein change: p.Thr208Ile; replaces threonine 208 with isoleucine.
Molecular consequence: missense variant. On other transcripts: non-coding transcript variant (1).
Genome position (GRCh38, 1-based): chr9:130,702,261, C>T. VCF-style: chr9-130702261-C-T. GRCh37 (hg19) VCF-style: chr9-133577648-C-T.
Other names: c.623C>T (NM_014285.5); c.533C>T, p.Thr178Ile (NM_001282709.1); c.545C>T, p.Thr182Ile (NM_001282708.1); short protein forms T178I, T182I, T208I.
Identifiers: ClinVar variation 1013861 (VCV001013861.6), dbSNP rs115530350, ClinGen allele CA5284926.
Genomic context (GRCh38, chr9:130,702,261, plus strand): 5'-ATTTGCCATGTGGTGCCTCAGTGATTCTCGGTAACAACGGCTTCATCTGGATTTACCCAA[C>T]ACCTGAGCACAAAGAAGAGGAAGCAGGGGGCTTCATTGCAAACCTGGAGGTGAGCAAACA-3'
Protein context (NP_055100.2, residues 198-218): GNNGFIWIYP[Thr208Ile]PEHKEEEAGG

ClinVar aggregate classification (germline): Conflicting classifications of pathogenicity. Review status: criteria provided, conflicting classifications (1 of 4 stars). 3 submissions from 3 submitters: Uncertain significance (2); Likely benign (1). Last evaluated 2024-06-11.

Allele frequency attached by ClinVar (database versions not stated): gnomAD exomes 0.00002 and 0.00004; ExAC 0.00006; 1000 Genomes Project 30x 0.00016; 1000 Genomes Project 0.00020; gnomAD 0.00021 and 0.00022; TOPMed 0.00027; ESP Exome Variant Server 0.00046.
gnomAD v4.1: 61 of 1,614,152 alleles (0.0038%); highest among the groups gnomAD compares: African/African-American, 0.069%; no homozygotes.

Submissions (3):

Blueprint Genetics
Classification: Likely benign. Last evaluated: 2024-06-11. Review status: criteria provided, single submitter. Criteria: ACMG Guidelines, 2015. Collection method: clinical testing. Allele origin: germline.

Ambry Genetics
Classification: Uncertain significance. Last evaluated: 2024-02-14. Review status: criteria provided, single submitter. Criteria: Ambry Variant Classification Scheme 2023. Collection method: clinical testing. Allele origin: germline.

Labcorp Genetics (formerly Invitae), Labcorp
Classification: Uncertain significance. Last evaluated: 2022-09-19. Review status: criteria provided, single submitter. Criteria: Invitae Variant Classification Sherloc (09022015). Collection method: clinical testing. Allele origin: germline.
Comment: This sequence change replaces threonine, which is neutral and polar, with isoleucine, which is neutral and non-polar, at codon 208 of the EXOSC2 protein (p.Thr208Ile). This variant is present in population databases (rs115530350, gnomAD 0.06%). This variant has not been reported in the literature in individuals affected with EXOSC2-related conditions. ClinVar contains an entry for this variant (Variation ID: 1013861). Advanced modeling of protein sequence and biophysical properties (such as structural, functional, and spatial information, amino acid conservation, physicochemical variation, residue mobility, and thermodynamic stability) performed at Invitae indicates that this missense variant is not expected to disrupt EXOSC2 protein function. In summary, the available evidence is currently insufficient to determine the role of this variant in disease. Therefore, it has been classified as a Variant of Uncertain Significance.